The following is an entry in ClinVar:

ClinVar aggregate classification (germline): Uncertain significance. Review status: criteria provided, multiple submitters, no conflicts (2 of 4 stars). 2 submissions from 2 submitters: Uncertain significance (2). Last evaluated 2025-09-13.

Conditions:
Tuberous sclerosis 2 (TSC2). Identifiers: Orphanet 805, MedGen C1860707, MONDO:0013199, OMIM 613254.
Hereditary cancer-predisposing syndrome. Also called: Neoplastic Syndromes, Hereditary; Hereditary Cancer Syndrome; Tumor predisposition; Hereditary neoplastic syndrome. Identifiers: Orphanet 140162, MedGen C0027672, MeSH D009386, MONDO:0015356.

Submissions (2):

Labcorp Genetics (formerly Invitae), Labcorp
Classification: Uncertain significance for Tuberous sclerosis 2. Last evaluated: 2025-09-13. Review status: criteria provided, single submitter. Criteria: Invitae Variant Classification Sherloc (09022015). Collection method: clinical testing. Allele origin: germline.
Comment: This sequence change replaces alanine, which is neutral and non-polar, with serine, which is neutral and polar, at codon 196 of the TSC2 protein (p.Ala196Ser). This variant is not present in population databases (gnomAD no frequency). This variant has not been reported in the literature in individuals affected with TSC2-related conditions. ClinVar contains an entry for this variant (Variation ID: 2564718). Invitae Evidence Modeling of protein sequence and biophysical properties (such as structural, functional, and spatial information, amino acid conservation, physicochemical variation, residue mobility, and thermodynamic stability) indicates that this missense variant is not expected to disrupt TSC2 protein function with a negative predictive value of 95%. In summary, the available evidence is currently insufficient to determine the role of this variant in disease. Therefore, it has been classified as a Variant of Uncertain Significance.

Ambry Genetics
Classification: Uncertain significance for Hereditary cancer-predisposing syndrome. Last evaluated: 2025-08-19. Review status: criteria provided, single submitter. Criteria: Ambry Variant Classification Scheme 2023. Collection method: clinical testing. Allele origin: germline.
Comment: The p.A196S variant (also known as c.586G>T), located in coding exon 5 of the TSC2 gene, results from a G to T substitution at nucleotide position 586. The alanine at codon 196 is replaced by serine, an amino acid with similar properties. This amino acid position is conserved. In addition, this alteration is predicted to be tolerated by in silico analysis. Based on the available evidence, the clinical significance of this variant remains unclear.

NM_000548.5(TSC2):c.586G>T (p.Ala196Ser)

Gene: TSC2 (TSC complex subunit 2; plus strand). Cytogenetic location: 16p13.3.
Variant type: single nucleotide variant.
Coding change: c.586G>T on transcript NM_000548.5 (MANE Select); coding-DNA position 586, G replaced by T.
Protein change: p.Ala196Ser; replaces alanine 196 with serine.
Molecular consequence: missense variant. On other transcripts: 5 prime UTR variant (13), non-coding transcript variant (5), intron variant (6).
Genome position (GRCh38, 1-based): chr16:2,055,506, G>T. VCF-style: chr16-2055506-G-T. GRCh37 (hg19) VCF-style: chr16-2105507-G-T.
Other names: c.586G>T, p.Ala196Ser (NM_001406664.1, NM_001406665.1, NM_001406671.1 and 8 more transcripts); c.676G>T, p.Ala226Ser (NM_001406667.1, NM_001406668.1); c.475G>T, p.Ala159Ser (NM_001406670.1, NM_001406678.1, NM_001318827.2); c.439G>T, p.Ala147Ser (NM_001406675.1, NM_001406676.1, NM_001406679.1 and 1 more transcripts); c.529G>T, p.Ala177Ser (NM_001406677.1); c.-231G>T (NM_001406680.1, NM_001406683.1, NM_001406687.1); c.124G>T, p.Ala42Ser (NM_001406681.1); c.-846G>T (NM_001406689.1, NM_001406690.1, NM_001406691.1 and 2 more transcripts); and 6 more; short protein forms A177S, A226S, A196S, A147S, A159S, A207S, A42S.
Identifiers: ClinVar variation 2564718 (VCV002564718.4), dbSNP rs45517113, ClinGen allele CA394309816.